The following is an entry in ClinVar:

ClinVar aggregate classification (germline): Uncertain significance. Review status: criteria provided, multiple submitters, no conflicts (2 of 4 stars). 2 submissions from 2 submitters: Uncertain significance (2). Last evaluated 2025-10-27.

Conditions:
EPHB4-related disorder. Also called: EPHB4-related condition; EPHB4-related disorders.
Cardiovascular phenotype. Identifiers: MedGen CN230736.

Submissions (2):

Ambry Genetics
Classification: Uncertain significance for Cardiovascular phenotype. Last evaluated: 2025-10-27. Review status: criteria provided, single submitter. Criteria: Ambry Variant Classification Scheme 2023. Collection method: clinical testing. Allele origin: germline.
Comment: The p.T140K variant (also known as c.419C>A), located in coding exon 4 of the EPHB4 gene, results from a C to A substitution at nucleotide position 419. The threonine at codon 140 is replaced by lysine, an amino acid with similar properties. This amino acid position is conserved. In addition, the in silico prediction for this alteration is inconclusive. Based on the available evidence, the clinical significance of this variant remains unclear.

PreventionGenetics, part of Exact Sciences
Classification: Uncertain significance for EPHB4-related condition. Last evaluated: 2025-03-28. Review status: criteria provided, single submitter. Criteria: ACMG Guidelines, 2015. Collection method: clinical testing. Allele origin: germline.
Comment: The EPHB4 c.419C>A variant is predicted to result in the amino acid substitution p.Thr140Lys. To our knowledge, this variant has not been reported in the literature. This variant is reported in 0.0033% of alleles in individuals of Latino descent in gnomAD. At this time, the clinical significance of this variant is uncertain due to the absence of conclusive functional and genetic evidence.

NM_004444.5(EPHB4):c.419C>A (p.Thr140Lys)

Gene: EPHB4 (EPH receptor B4; minus strand). Cytogenetic location: 7q22.1.
Variant type: single nucleotide variant.
Coding change: c.419C>A on transcript NM_004444.5 (MANE Select); coding-DNA position 419, C replaced by A.
Protein change: p.Thr140Lys; replaces threonine 140 with lysine.
Molecular consequence: missense variant.
Genome position (GRCh38, 1-based): chr7:100,822,660, G>T on the plus strand (C>A on the coding strand, the complement: EPHB4 is on the minus strand). VCF-style: chr7-100822660-G-T. GRCh37 (hg19) VCF-style: chr7-100420282-G-T.
Other names: short protein forms T140K.
Identifiers: ClinVar variation 4614133 (VCV004614133.2).